The following is an entry in ClinVar:

ClinVar aggregate classification (germline): Uncertain significance. Review status: criteria provided, multiple submitters, no conflicts (2 of 4 stars). 3 submissions from 3 submitters: Uncertain significance (3). Last evaluated 2025-04-11.

Conditions:
Pitt-Hopkins syndrome (PTHS). Also called: ENCEPHALOPATHY, SEVERE EPILEPTIC, WITH AUTONOMIC DYSFUNCTION; MENTAL RETARDATION, SYNDROMAL, WITH INTERMITTENT HYPERVENTILATION. Identifiers: Orphanet 2896, MedGen C1970431, MONDO:0012589, OMIM 610954.

Allele frequency attached by ClinVar (database versions not stated): gnomAD exomes below 0.00001; ExAC 0.00001.
gnomAD v4.1: 2 of 1,613,956 alleles (0.00012%); highest among the groups gnomAD compares: Middle Eastern, 0.017%; no homozygotes.

Submissions (3):

Dasa
Classification: Uncertain significance. Last evaluated: 2025-04-11. Review status: criteria provided, single submitter. Criteria: DASA Assertion Criteria. Collection method: clinical testing. Allele origin: germline.
Comment: NM_001083962.2(TCF4):c.589G>A (p.Asp197Asn) is a missense variant that results in the substitution of aspartic acid with asparagine. This variant is rare in population databases. Computational prediction algorithms are consistent with a benign effect. The currently available literature and clinical evidence are not sufficient to establish a definitive association between this variant and the reported condition. Therefore, this variant is classified as a variant of uncertain significance.

Labcorp Genetics (formerly Invitae), Labcorp
Classification: Uncertain significance for Pitt-Hopkins syndrome. Last evaluated: 2024-10-28. Review status: criteria provided, single submitter. Criteria: Invitae Variant Classification Sherloc (09022015). Collection method: clinical testing. Allele origin: germline.
Comment: This sequence change replaces aspartic acid, which is acidic and polar, with asparagine, which is neutral and polar, at codon 197 of the TCF4 protein (p.Asp197Asn). This variant is present in population databases (rs762209412, gnomAD 0.0009%). This variant has not been reported in the literature in individuals affected with TCF4-related conditions. ClinVar contains an entry for this variant (Variation ID: 942428). Invitae Evidence Modeling of protein sequence and biophysical properties (such as structural, functional, and spatial information, amino acid conservation, physicochemical variation, residue mobility, and thermodynamic stability) indicates that this missense variant is not expected to disrupt TCF4 protein function with a negative predictive value of 95%. In summary, the available evidence is currently insufficient to determine the role of this variant in disease. Therefore, it has been classified as a Variant of Uncertain Significance.

Blueprint Genetics
Classification: Uncertain significance. Last evaluated: 2019-08-09. Review status: criteria provided, single submitter. Criteria: ACMG Guidelines, 2015. Collection method: clinical testing. Allele origin: germline.

NM_001083962.2(TCF4):c.589G>A (p.Asp197Asn)

Gene: TCF4 (transcription factor 4; minus strand). Cytogenetic location: 18q21.2.
Variant type: single nucleotide variant.
Coding change: c.589G>A on transcript NM_001083962.2 (MANE Select); coding-DNA position 589, G replaced by A.
Protein change: p.Asp197Asn; replaces aspartic acid 197 with asparagine.
Molecular consequence: missense variant. On other transcripts: 5 prime UTR variant (1).
Genome position (GRCh38, 1-based): chr18:55,279,617, C>T on the plus strand (G>A on the coding strand, the complement: TCF4 is on the minus strand). VCF-style: chr18-55279617-C-T. GRCh37 (hg19) VCF-style: chr18-52946848-C-T.
Other names: c.895G>A, p.Asp299Asn (NM_001243226.3); c.517G>A, p.Asp173Asn (NM_001243227.2, NM_001306207.1, NM_001348217.1 and 9 more transcripts); c.607G>A, p.Asp203Asn (NM_001243228.2); c.583G>A, p.Asp195Asn (NM_001243230.2); c.463G>A, p.Asp155Asn (NM_001243231.2, NM_001348211.2); c.376G>A, p.Asp126Asn (NM_001243232.1, NM_001306208.1); c.199G>A, p.Asp67Asn (NM_001243233.2, NM_001330605.3, NM_001348212.2 and 1 more transcripts); c.109G>A, p.Asp37Asn (NM_001243234.2, NM_001243235.2, NM_001243236.2 and 2 more transcripts); and 4 more; short protein forms D172N, D196N, D173N, D197N, D37N, D126N, D155N, D299N.
Identifiers: ClinVar variation 942428 (VCV000942428.11), dbSNP rs762209412, ClinGen allele CA8970451.
Genomic context (GRCh38, chr18:55,279,617, plus strand): 5'-TGAAGAAGGAGCTAGGGAAAGTGCTGGTTGCTGGTTTGGAGGAAGGATAGCCTGGCGAGT[C>T]CCTATTGTAGTCGGCAGTGCTTGCTGATGGAGCATAGACCTGAGGAGAAAGAACCAACTG-3'
Protein context (NP_001077431.1, residues 187-207): PSASTADYNR[Asp197Asn]SPGYPSSKPA